The following is an entry in ClinVar:

NM_145045.5(ODAD3):c.1401G>A (p.Glu467=)

Gene: ODAD3 (outer dynein arm docking complex subunit 3; minus strand). Cytogenetic location: 19p13.2.
Variant type: single nucleotide variant.
Coding change: c.1401G>A on transcript NM_145045.5 (MANE Select); coding-DNA position 1401, G replaced by A.
Protein change: p.Glu467=; no amino-acid change (glutamic acid 467 retained).
Molecular consequence: synonymous variant.
Genome position (GRCh38, 1-based): chr19:11,422,504, C>T on the plus strand (G>A on the coding strand, the complement: ODAD3 is on the minus strand). VCF-style: chr19-11422504-C-T. GRCh37 (hg19) VCF-style: chr19-11533172-C-T.
Other names: c.1239G>A, p.Glu413= (NM_001302453.1); c.1221G>A, p.Glu407= (NM_001302454.2).
Identifiers: ClinVar variation 699092 (VCV000699092.7), dbSNP rs774192251, ClinGen allele CA9212047.

ClinVar aggregate classification (germline): Likely benign. Review status: criteria provided, single submitter (1 of 4 stars). 2 submissions from 2 submitters: Likely benign (1). 1 of the submissions does not count toward it. Last evaluated 2024-04-13.

Conditions:
ODAD3-related disorder. Also called: ODAD3-related condition.
Primary ciliary dyskinesia 30. Also called: CILIARY DYSKINESIA, PRIMARY, 30, WITH OR WITHOUT SITUS INVERSUS. Identifiers: Orphanet 244, MedGen C4015016, MONDO:0014465, OMIM 616037.

Allele frequency attached by ClinVar (database versions not stated): gnomAD exomes below 0.00001 and 0.00001; TOPMed below 0.00001; ExAC 0.00002.
gnomAD v4.1: 4 of 1,594,386 alleles (0.00025%); highest among the groups gnomAD compares: Non-Finnish European, 0.000085%; no homozygotes.

Submissions (2):

Labcorp Genetics (formerly Invitae), Labcorp
Classification: Likely benign for Primary ciliary dyskinesia 30. Last evaluated: 2024-04-13. Review status: criteria provided, single submitter. Criteria: Invitae Variant Classification Sherloc (09022015). Collection method: clinical testing. Allele origin: germline.

PreventionGenetics, part of Exact Sciences
Classification: Likely benign for ODAD3-related condition. Last evaluated: 2020-06-23. Review status: no assertion criteria provided. Collection method: clinical testing. Allele origin: germline. Not counted in ClinVar's aggregate classification.
Comment: This variant is classified as likely benign based on ACMG/AMP sequence variant interpretation guidelines (Richards et al. 2015 PMID: 25741868, with internal and published modifications).